The following is an entry in ClinVar:

NM_012079.6(DGAT1):c.1337_1338delinsAT (p.Arg446His)

Gene: DGAT1 (diacylglycerol O-acyltransferase 1; minus strand). Cytogenetic location: 8q24.3.
Variant type: Indel.
Coding change: c.1337_1338delinsAT on transcript NM_012079.6 (MANE Select); coding-DNA positions 1337 to 1338, GC replaced by AT.
Protein change: p.Arg446His; replaces arginine 446 with histidine.
Molecular consequence: missense variant.
Genome position (GRCh38, 1-based): chr8:144,316,683-144,316,684, GC replaced by AT on the plus strand (GC replaced by AT on the coding strand, the reverse complement: DGAT1 is on the minus strand). VCF-style: chr8-144316683-GC-AT. GRCh37 (hg19) VCF-style: chr8-145540346-GC-AT.
Other names: short protein forms R446H.
Identifiers: ClinVar variation 1473571 (VCV001473571.6), dbSNP rs2130509299, ClinGen allele CA2573142987.

ClinVar aggregate classification (germline): Uncertain significance (1 of 4 stars; one submission).

Submission:

Labcorp Genetics (formerly Invitae), Labcorp
Classification: Uncertain significance. Last evaluated: 2020-11-12. Review status: criteria provided, single submitter. Criteria: Invitae Variant Classification Sherloc (09022015). Collection method: clinical testing. Allele origin: germline.
Comment: In summary, the available evidence is currently insufficient to determine the role of this variant in disease. Therefore, it has been classified as a Variant of Uncertain Significance. Algorithms developed to predict the effect of missense changes on protein structure and function are either unavailable or do not agree on the potential impact of this missense change (SIFT: "Not Available"; PolyPhen-2: "Benign"; Align-GVGD: "Not Available"). This variant has not been reported in the literature in individuals with DGAT1-related conditions. The frequency data for this variant in the population databases is not available, as this variant may be reported as separate entries in the ExAC database. This sequence change replaces arginine with histidine at codon 446 of the DGAT1 protein (p.Arg446His). The arginine residue is moderately conserved and there is a small physicochemical difference between arginine and histidine.